The following is an entry in ClinVar:

NM_002936.6(RNASEH1):c.353T>C (p.Met118Thr)

Gene: RNASEH1 (ribonuclease H1; minus strand). Cytogenetic location: 2p25.3.
Variant type: single nucleotide variant.
Coding change: c.353T>C on transcript NM_002936.6 (MANE Select); coding-DNA position 353, T replaced by C.
Protein change: p.Met118Thr; replaces methionine 118 with threonine.
Molecular consequence: missense variant. On other transcripts: initiator codon variant (1), non-coding transcript variant (7).
Genome position (GRCh38, 1-based): chr2:3,552,200, A>G on the plus strand (T>C on the coding strand, the complement: RNASEH1 is on the minus strand). VCF-style: chr2-3552200-A-G. GRCh37 (hg19) VCF-style: chr2-3599790-A-G.
Other names: p.Met118Thr; c.275T>C, p.Met92Thr (NM_001286834.3); c.2T>C, p.Met1Thr (NM_001286837.3); c.353T>C, p.Met118Thr (NM_001378271.1, NM_001378272.1, NM_001378273.1); c.353T>C (NM_002936.5); short protein forms M118T, M1T, M92T.
Identifiers: ClinVar variation 4077327 (VCV004077327.2).

ClinVar aggregate classification (germline): Uncertain significance. Review status: criteria provided, multiple submitters, no conflicts (2 of 4 stars). 2 submissions from 2 submitters: Uncertain significance (2). Last evaluated 2025-05-20.

Submissions (2):

Mayo Clinic Laboratories, Mayo Clinic
Classification: Uncertain significance. Last evaluated: 2025-05-20. Review status: criteria provided, single submitter. Criteria: ACMG Guidelines, 2015. Collection method: clinical testing. Allele origin: germline. Observed: 1 variant allele.
Comment: BP4_moderate, PM2_supporting

GeneDx
Classification: Uncertain significance. Last evaluated: 2025-02-28. Review status: criteria provided, single submitter. Criteria: GeneDx Variant Classification Process June 2021. Collection method: clinical testing. Allele origin: germline. Affected: yes.
Comment: Not observed at significant frequency in large population cohorts (gnomAD); In silico analysis indicates that this missense variant does not alter protein structure/function; Has not been previously published as pathogenic or benign to our knowledge